The following is an entry in ClinVar:

NM_015158.5(KANK1):c.3948C>T (p.Ile1316=)

Gene: KANK1 (KN motif and ankyrin repeat domains 1; plus strand). Cytogenetic location: 9p24.3.
Variant type: single nucleotide variant.
Coding change: c.3948C>T on transcript NM_015158.5 (MANE Select); coding-DNA position 3948, C replaced by T.
Protein change: p.Ile1316=; no amino-acid change (isoleucine 1316 retained).
Molecular consequence: synonymous variant. On other transcripts: non-coding transcript variant (1).
Genome position (GRCh38, 1-based): chr9:744,541, C>T. VCF-style: chr9-744541-C-T. GRCh37 (hg19) VCF-style: chr9-744541-C-T.
Other names: c.3948C>T, p.Ile1316= (NM_001256876.3, NM_001256877.3, NM_001354334.2 and 1 more transcripts); c.3708C>T, p.Ile1236= (NM_001354331.2); c.3894C>T, p.Ile1298= (NM_001354332.2); c.3474C>T, p.Ile1158= (NM_001354333.2, NM_001354335.2, NM_001354337.2 and 2 more transcripts); c.3180C>T, p.Ile1060= (NM_001354336.2, NM_001438411.1); c.3420C>T, p.Ile1140= (NM_001354338.2, NM_001354340.2, NM_001354344.2); c.3234C>T, p.Ile1078= (NM_001354339.2, NM_001354342.2, NM_001354343.2).
Identifiers: ClinVar variation 4741965 (VCV004741965.2).

ClinVar aggregate classification (germline): Conflicting classifications of pathogenicity. Review status: criteria provided, conflicting classifications (1 of 4 stars). 2 submissions from 2 submitters: Uncertain significance (1); Likely benign (1). Last evaluated 2025-02-19.

gnomAD v4.1: 22 of 1,614,008 alleles (0.0014%); highest among the groups gnomAD compares: African/African-American, 0.011%; no homozygotes.

Submissions (2):

Labcorp Genetics (formerly Invitae), Labcorp
Classification: Uncertain significance. Last evaluated: 2025-02-19. Review status: criteria provided, single submitter. Criteria: Invitae Variant Classification Sherloc (09022015). Collection method: clinical testing. Allele origin: germline.
Comment: This sequence change affects codon 1316 of the KANK1 mRNA. It is a 'silent' change, meaning that it does not change the encoded amino acid sequence of the KANK1 protein. This variant is present in population databases (rs777332629, gnomAD 0.009%). This variant has not been reported in the literature in individuals affected with KANK1-related conditions. Algorithms developed to predict the effect of sequence changes on RNA splicing suggest that this variant may disrupt the consensus splice site. In summary, the available evidence is currently insufficient to determine the role of this variant in disease. Therefore, it has been classified as a Variant of Uncertain Significance.

Blueprint Genetics
Classification: Likely benign. Last evaluated: 2024-10-30. Review status: criteria provided, single submitter. Criteria: ACMG Guidelines, 2015. Collection method: clinical testing. Allele origin: germline.